The following is an entry in ClinVar:

NM_001394062.1(MACF1):c.11191A>T (p.Thr3731Ser)

Gene: MACF1 (microtubule actin crosslinking factor 1; plus strand). Cytogenetic location: 1p34.3.
Variant type: single nucleotide variant.
Coding change: c.11191A>T on transcript NM_001394062.1 (MANE Select); coding-DNA position 11191, A replaced by T.
Protein change: p.Thr3731Ser; replaces threonine 3731 with serine.
Molecular consequence: missense variant.
Genome position (GRCh38, 1-based): chr1:39,351,010, A>T. VCF-style: chr1-39351010-A-T. GRCh37 (hg19) VCF-style: chr1-39816682-A-T.
Other names: c.5005A>T, p.Thr1669Ser (NM_012090.5); short protein forms T3731S, T1669S.
Identifiers: ClinVar variation 3393880 (VCV003393880.1).

ClinVar aggregate classification (germline): Uncertain significance (1 of 4 stars; one submission).

Submission:

GeneDx
Classification: Uncertain significance. Last evaluated: 2024-07-03. Review status: criteria provided, single submitter. Criteria: GeneDx Variant Classification Process June 2021. Collection method: clinical testing. Allele origin: germline. Affected: yes.
Comment: Not observed at significant frequency in large population cohorts (gnomAD); In silico analysis supports that this missense variant has a deleterious effect on protein structure/function; Has not been previously published as pathogenic or benign to our knowledge